The following is an entry in ClinVar:

ClinVar aggregate classification (germline): Benign/Likely benign. Review status: criteria provided, multiple submitters, no conflicts (2 of 4 stars). 14 submissions from 13 submitters: Benign (10); Likely benign (1). 3 of the submissions do not count toward it. Last evaluated 2026-02-04.

Conditions:
RYR1-related disorder. Also called: RYR1-related disorders; RYR1-related condition. Identifiers: MedGen CN239331.
Malignant hyperthermia, susceptibility to, 1 (MHS1). Also called: Anesthesia related hyperthermia; Malignant hyperpyrexia; Fulminating hyperpyrexia; Pharmacogenic myopathy; RYR1-Related Malignant Hyperthermia Susceptibility; Malignant hyperthermia suceptibility 1. Identifiers: Orphanet 423, MedGen C2930980, MONDO:0007783, OMIM 145600.
Congenital multicore myopathy with external ophthalmoplegia (CMYO1B). Also called: Minicore myopathy with external ophthalmoplegia; MULTIMINICORE DISEASE WITH EXTERNAL OPHTHALMOPLEGIA; MULTICORE MYOPATHY; Congenital myopathy 1B, autosomal recessive; Minicore myopathy. Identifiers: Orphanet 598, Orphanet 98905, MedGen C1850674, MONDO:0009712, OMIM 255320, HP:0003789.

Allele frequency attached by ClinVar (database versions not stated): ESP Exome Variant Server 0.00231; gnomAD exomes 0.00490 and 0.01358; gnomAD 0.00694 and 0.00831; TOPMed 0.01091; ExAC 0.01200; 1000 Genomes Project 0.02137; 1000 Genomes Project 30x 0.02217.
gnomAD v4.1: 8,589 of 1,614,144 alleles (0.53%); highest among the groups gnomAD compares: East Asian, 7.2%; 230 homozygotes.

Submissions (14):

Labcorp Genetics (formerly Invitae), Labcorp
Classification: Benign for RYR1-related disorder. Last evaluated: 2026-02-04. Review status: criteria provided, single submitter. Criteria: Invitae Variant Classification Sherloc (09022015). Collection method: clinical testing. Allele origin: germline.

ARUP Laboratories, Molecular Genetics and Genomics, ARUP Laboratories
Classification: Benign. Last evaluated: 2024-10-17. Review status: criteria provided, single submitter. Criteria: ARUP Molecular Germline Variant Investigation Process 2024. Collection method: clinical testing. Allele origin: germline.

Athena Diagnostics
Classification: Benign. Last evaluated: 2024-01-11. Review status: criteria provided, single submitter. Criteria: Athena Diagnostics Criteria. Collection method: clinical testing. Allele origin: unknown.

Color Diagnostics, LLC DBA Color Health
Classification: Benign for Malignant hyperthermia, susceptibility to, 1. Last evaluated: 2022-09-16. Review status: criteria provided, single submitter. Criteria: ACMG Guidelines, 2015. Collection method: clinical testing. Allele origin: germline.

Mayo Clinic Laboratories, Mayo Clinic
Classification: Benign. Last evaluated: 2018-10-04. Review status: criteria provided, single submitter. Criteria: ACMG Guidelines, 2015. Collection method: clinical testing. Allele origin: germline. Observed: 14 variant alleles.

Illumina Laboratory Services, Illumina
Classification: Benign for Malignant hyperthermia, susceptibility to, 1. Last evaluated: 2018-01-13. Review status: criteria provided, single submitter. Criteria: ICSL Variant Classification Criteria 13 December 2019. Collection method: clinical testing. Allele origin: germline.
Comment: This variant was observed in the ICSL laboratory as part of a predisposition screen in an ostensibly healthy population. It had not been previously curated by ICSL or reported in the Human Gene Mutation Database (HGMD: prior to June 1st, 2018), and was therefore a candidate for classification through an automated scoring system. Utilizing variant allele frequency, disease prevalence and penetrance estimates, and inheritance mode, an automated score was calculated to assess if this variant is too frequent to cause the disease. Based on the score and internal cut-off values, a variant classified as benign is not then subjected to further curation. The score for this variant resulted in a classification of benign for this disease.

Illumina Laboratory Services, Illumina
Classification: Benign for Congenital multicore myopathy with external ophthalmoplegia. Last evaluated: 2018-01-13. Review status: criteria provided, single submitter. Criteria: ICSL Variant Classification Criteria 13 December 2019. Collection method: clinical testing. Allele origin: germline.
Comment: the same text as in the submission from Illumina Laboratory Services, Illumina above.

PreventionGenetics, part of Exact Sciences
Classification: Benign. Last evaluated: 2016-12-19. Review status: criteria provided, single submitter. Criteria: ACMG Guidelines, 2015. Collection method: clinical testing. Allele origin: germline.

GeneDx
Classification: Benign. Last evaluated: 2016-06-07. Review status: criteria provided, single submitter. Criteria: GeneDx Variant Classification (06012015). Collection method: clinical testing. Allele origin: germline. Affected: yes.
Comment: This variant is considered likely benign or benign based on one or more of the following criteria: it is a conservative change, it occurs at a poorly conserved position in the protein, it is predicted to be benign by multiple in silico algorithms, and/or has population frequency not consistent with disease.

Eurofins Ntd Llc (ga)
Classification: Benign. Last evaluated: 2014-04-22. Review status: criteria provided, single submitter. Criteria: EGL Classification Definitions 2015. Collection method: clinical testing. Allele origin: germline. Observed: 1 variant allele, 1 heterozygote.

Breakthrough Genomics
Classification: Likely benign. Review status: criteria provided, single submitter. Criteria: ACMG Guidelines, 2015. Collection method: not provided. Allele origin: germline. Inheritance: Autosomal recessive inheritance. Affected: yes.

Genetic Services Laboratory, University of Chicago
Classification: Likely benign. Review status: no assertion criteria provided. Collection method: clinical testing. Allele origin: germline. Inheritance: Autosomal unknown. Not counted in ClinVar's aggregate classification.
Comment: Likely benign based on allele frequency in 1000 Genomes Project or ESP global frequency and its presence in a patient with a rare or unrelated disease phenotype. NOT Sanger confirmed

Joint Genome Diagnostic Labs from Nijmegen and Maastricht, Radboudumc and MUMC+
Classification: Benign. Review status: no assertion criteria provided. Collection method: clinical testing. Allele origin: germline. Affected: yes. Study: VKGL Data-share Consensus. Not counted in ClinVar's aggregate classification.

Laboratory of Diagnostic Genome Analysis, Leiden University Medical Center (LUMC)
Classification: Likely benign. Review status: no assertion criteria provided. Collection method: clinical testing. Allele origin: germline. Affected: yes. Study: VKGL Data-share Consensus. Not counted in ClinVar's aggregate classification.

NM_000540.3(RYR1):c.7281C>T (p.Ala2427=)

Gene: RYR1 (ryanodine receptor 1; plus strand). Cytogenetic location: 19q13.2.
Variant type: single nucleotide variant.
Coding change: c.7281C>T on transcript NM_000540.3 (MANE Select); coding-DNA position 7281, C replaced by T.
Protein change: p.Ala2427=; no amino-acid change (alanine 2427 retained).
Molecular consequence: synonymous variant.
Genome position (GRCh38, 1-based): chr19:38,499,974, C>T. VCF-style: chr19-38499974-C-T. GRCh37 (hg19) VCF-style: chr19-38990614-C-T.
Other names: p.Ala2427=; c.7281C>T, p.Ala2427= (NM_001042723.2).
Identifiers: ClinVar variation 159857 (VCV000159857.32), dbSNP rs77310009, ClinGen allele CA024735.